The following is an entry in ClinVar:

NM_001267550.2(TTN):c.62943T>C (p.Thr20981=)

Genes: TTN (titin; minus strand), TTN-AS1 (TTN antisense RNA 1; plus strand). Cytogenetic location: 2q31.2.
Variant type: single nucleotide variant.
Coding change: c.62943T>C on transcript NM_001267550.2 (MANE Select); coding-DNA position 62943, T replaced by C.
Protein change: p.Thr20981=; no amino-acid change (threonine 20981 retained).
Molecular consequence: synonymous variant.
Genome position (GRCh38, 1-based): chr2:178,588,782, A>G on the plus strand (T>C on the coding strand, the complement: TTN is on the minus strand). VCF-style: chr2-178588782-A-G. GRCh37 (hg19) VCF-style: chr2-179453509-A-G.
Other names: c.35748T>C, p.Thr11916= (NM_003319.4); c.36123T>C, p.Thr12041= (NM_133432.3); c.36324T>C, p.Thr12108= (NM_133437.4); c.58020T>C, p.Thr19340= (NM_001256850.1); c.55239T>C, p.Thr18413= (NM_133378.4).
Identifiers: ClinVar variation 165912 (VCV000165912.54), dbSNP rs184863287, ClinGen allele CA178630.
Genomic context (GRCh38, chr2:178,588,782, plus strand): 5'-CTCCAAAAAGTATCCAGTTATAGACTTTCCACCATCATATTCAGGTGGATTCCAAACCAC[A>G]GTCATCTCTTCTTTGCTTACTTTAGTGACTTCTGGGGGATCAGGGCGACCAGGTTTATCA-3'
Protein context (NP_001254479.2, residues 20971-20991): EVTKVSKEEM[Thr20981=]VVWNPPEYDG

ClinVar aggregate classification (germline): Conflicting classifications of pathogenicity. Review status: criteria provided, conflicting classifications (1 of 4 stars). 16 submissions from 12 submitters: Uncertain significance (4); Benign (4); Likely benign (7). 1 of the submissions does not count toward it. Last evaluated 2026-02-01.

Conditions:
TTN-related disorder. Also called: TTN-related disorders; TTN-related condition; TTN-related disease.
Cardiovascular phenotype. Identifiers: MedGen CN230736.
Dilated cardiomyopathy 1G (CMD1G). Identifiers: Orphanet 154, MedGen C1858763, MONDO:0011400, OMIM 604145.
Autosomal recessive limb-girdle muscular dystrophy type 2J (LGMDR10). Also called: Limb-girdle muscular dystrophy, type 2J; MUSCULAR DYSTROPHY, LIMB-GIRDLE, AUTOSOMAL RECESSIVE 10. Identifiers: Orphanet 140922, MedGen C1837342, MONDO:0012127, OMIM 608807.
Cardiomyopathy (CMYO). Also called: Cardiomyopathies. Identifiers: Orphanet 167848, MedGen C0878544, MONDO:0004994, HP:0001638. Inheritance: Various modes of inheritance.
Early-onset myopathy with fatal cardiomyopathy (CMYO5). Also called: CONGENITAL MYOPATHY 5 WITH CARDIOMYOPATHY; Salih Myopathy. Identifiers: Orphanet 289377, MedGen C2673677, MONDO:0012714, OMIM 611705. Disease mechanism: loss of function.
Myopathy, myofibrillar, 9, with early respiratory failure (MFM9). Also called: Hereditary myopathy with early respiratory failure; MYOPATHY, PROXIMAL, WITH EARLY RESPIRATORY MUSCLE INVOLVEMENT; EDSTROM MYOPATHY; Myopathy, distal, with early respiratory failure, autosomal dominant. Identifiers: Orphanet 178464, Orphanet 34521, MedGen C1863599, MONDO:0011362, OMIM 603689.
Tibial muscular dystrophy (TMD). Also called: UDD MYOPATHY; Tibial muscular dystrophy, tardive; Udd Distal Myopathy – Tibial Muscular Dystrophy. Identifiers: Orphanet 609, MedGen C1838244, MONDO:0010870, OMIM 600334.

Allele frequency attached by ClinVar (database versions not stated): 1000 Genomes Project 30x 0.00016; ExAC 0.00017; 1000 Genomes Project 0.00020; gnomAD exomes 0.00020; TOPMed 0.00029; gnomAD 0.00030 and 0.00032; ESP Exome Variant Server 0.00100.
gnomAD v4.1: 683 of 1,613,382 alleles (0.042%); highest among the groups gnomAD compares: Non-Finnish European, 0.053%; 1 homozygote.

Submissions (16):

Labcorp Genetics (formerly Invitae), Labcorp
Classification: Likely benign for Dilated cardiomyopathy 1G; Autosomal recessive limb-girdle muscular dystrophy type 2J. Last evaluated: 2026-02-01. Review status: criteria provided, single submitter. Criteria: Invitae Variant Classification Sherloc (09022015). Collection method: clinical testing. Allele origin: germline.

Blueprint Genetics
Classification: Likely benign. Last evaluated: 2024-08-22. Review status: criteria provided, single submitter. Criteria: ACMG Guidelines, 2015. Collection method: clinical testing. Allele origin: germline.

CHEO Genetics Diagnostic Laboratory, Children's Hospital of Eastern Ontario
Classification: Likely benign for Cardiomyopathy. Last evaluated: 2023-05-16. Review status: criteria provided, single submitter. Criteria: ACMG Guidelines, 2015. Collection method: clinical testing. Allele origin: germline.

CeGaT Center for Human Genetics Tuebingen
Classification: Likely benign. Last evaluated: 2022-09-01. Review status: criteria provided, single submitter. Criteria: CeGaT Center For Human Genetics Tuebingen Variant Classification Criteria Version 2. Collection method: clinical testing. Allele origin: germline. Affected: yes. Observed: 1 variant allele.
Comment: TTN: BP4, BP7

Women's Health and Genetics/Laboratory Corporation of America, LabCorp
Classification: Likely benign. Last evaluated: 2022-04-24. Review status: criteria provided, single submitter. Criteria: LabCorp Variant Classification Summary - May 2015. Collection method: clinical testing. Allele origin: germline.

Athena Diagnostics
Classification: Benign. Last evaluated: 2019-12-12. Review status: criteria provided, single submitter. Criteria: Athena Diagnostics Criteria. Collection method: clinical testing. Allele origin: unknown.

Illumina Laboratory Services, Illumina
Classification: Uncertain significance for Autosomal recessive limb-girdle muscular dystrophy type 2J. Last evaluated: 2018-01-13. Review status: criteria provided, single submitter. Criteria: ICSL Variant Classification Criteria 13 December 2019. Collection method: clinical testing. Allele origin: germline.

Illumina Laboratory Services, Illumina
Classification: Benign for Myopathy, myofibrillar, 9, with early respiratory failure. Last evaluated: 2018-01-13. Review status: criteria provided, single submitter. Criteria: ICSL Variant Classification Criteria 13 December 2019. Collection method: clinical testing. Allele origin: germline.
Comment: This variant was observed in the ICSL laboratory as part of a predisposition screen in an ostensibly healthy population. It had not been previously curated by ICSL or reported in the Human Gene Mutation Database (HGMD: prior to June 1st, 2018), and was therefore a candidate for classification through an automated scoring system. Utilizing variant allele frequency, disease prevalence and penetrance estimates, and inheritance mode, an automated score was calculated to assess if this variant is too frequent to cause the disease. Based on the score and internal cut-off values, a variant classified as benign is not then subjected to further curation. The score for this variant resulted in a classification of benign for this disease.

Illumina Laboratory Services, Illumina
Classification: Uncertain significance for Dilated cardiomyopathy 1G. Last evaluated: 2018-01-13. Review status: criteria provided, single submitter. Criteria: ICSL Variant Classification Criteria 13 December 2019. Collection method: clinical testing. Allele origin: germline.

Illumina Laboratory Services, Illumina
Classification: Uncertain significance for Early-onset myopathy with fatal cardiomyopathy. Last evaluated: 2018-01-13. Review status: criteria provided, single submitter. Criteria: ICSL Variant Classification Criteria 13 December 2019. Collection method: clinical testing. Allele origin: germline.

Illumina Laboratory Services, Illumina
Classification: Benign for Tibial muscular dystrophy. Last evaluated: 2018-01-13. Review status: criteria provided, single submitter. Criteria: ICSL Variant Classification Criteria 13 December 2019. Collection method: clinical testing. Allele origin: germline.
Comment: the same text as in the submission from Illumina Laboratory Services, Illumina above.

Eurofins Ntd Llc (ga)
Classification: Uncertain significance. Last evaluated: 2015-09-11. Review status: criteria provided, single submitter. Criteria: EGL Classification Definitions 2015. Collection method: clinical testing. Allele origin: germline. Observed: 3 variant alleles, 3 heterozygotes.

Laboratory for Molecular Medicine, Mass General Brigham Personalized Medicine
Classification: Likely benign. Last evaluated: 2015-09-10. Review status: criteria provided, single submitter. Criteria: LMM Criteria. Collection method: clinical testing. Allele origin: germline. Observed: 3 variant alleles.
Comment: p.Thr18413Thr in exon 253 of TTN: This variant is not expected to have clinical significance because it does not alter an amino acid residue and is not located within the splice consensus sequence. It has been identified in 20/66520 Europea n chromosomes by the Exome Aggregation Consortium (ExAC; dbSNP rs184863287).

GeneDx
Classification: Benign. Last evaluated: 2015-04-02. Review status: criteria provided, single submitter. Criteria: GeneDx Variant Classification (06012015). Collection method: clinical testing. Allele origin: germline. Affected: yes.
Comment: This variant is considered likely benign or benign based on one or more of the following criteria: it is a conservative change, it occurs at a poorly conserved position in the protein, it is predicted to be benign by multiple in silico algorithms, and/or has population frequency not consistent with disease.

Ambry Genetics
Classification: Likely benign for Cardiovascular phenotype. Last evaluated: 2013-10-24. Review status: criteria provided, single submitter. Criteria: Ambry Autosomal Dominant and X-Linked criteria (10/2015). Collection method: clinical testing. Allele origin: germline. Observed: 1 variant allele.

PreventionGenetics, part of Exact Sciences
Classification: Likely benign for TTN-related condition. Last evaluated: 2019-02-21. Review status: no assertion criteria provided. Collection method: clinical testing. Allele origin: germline. Not counted in ClinVar's aggregate classification.
Comment: This variant is classified as likely benign based on ACMG/AMP sequence variant interpretation guidelines (Richards et al. 2015 PMID: 25741868, with internal and published modifications).